The following is an entry in ClinVar:

NM_015015.3(KDM4B):c.2252ACG[3] (p.Asp752_Gly753insAsp)

Gene: KDM4B (lysine demethylase 4B; plus strand). Cytogenetic location: 19p13.3.
Variant type: Microsatellite.
Coding change: c.2252ACG[3] on transcript NM_015015.3 (MANE Select); three copies in a row of the 3-base unit ACG starting at c.2252; the reference has two copies in a row; one copy, 3 bases duplicated.
Protein change: p.Asp752_Gly753insAsp.
Molecular consequence: inframe insertion.
Genome position (GRCh38, 1-based): chr19:5,135,508-5,135,510, ACG duplicated; duplicating any 3 consecutive bases within chr19:5,135,503-5,135,510 gives the same sequence; the position shown is the placement nearest the transcript's 3' end. VCF-style (leftmost placement, unchanged base first): chr19-5135502-G-GCGA. GRCh37 (hg19) VCF-style: chr19-5135513-G-GCGA.
Other names: c.2354ACG[3], p.Asp786_Gly787insAsp (NM_001411148.1).
Identifiers: ClinVar variation 2632312 (VCV002632312.1), dbSNP rs2512147429, ClinGen allele CA2695198114.

ClinVar aggregate classification (germline): Uncertain significance (1 of 4 stars; one submission).

Conditions:
KDM4B-related disorder. Also called: KDM4B-related condition.

Submission:

PreventionGenetics, part of Exact Sciences
Classification: Uncertain significance for KDM4B-related condition. Last evaluated: 2023-06-28. Review status: criteria provided, single submitter. Criteria: ACMG Guidelines, 2015. Collection method: clinical testing. Allele origin: germline.
Comment: The KDM4B c.2255_2257dupACG variant is predicted to result in an in-frame duplication (p.Asp752dup). To our knowledge, this variant has not been reported in the literature or in a large population database, indicating this variant is rare. At this time, the clinical significance of this variant is uncertain due to the absence of conclusive functional and genetic evidence.